The following is an entry in ClinVar:

NM_053025.4(MYLK):c.1760A>T (p.Asn587Ile)

Gene: MYLK (myosin light chain kinase; minus strand). Cytogenetic location: 3q21.1.
Variant type: single nucleotide variant.
Coding change: c.1760A>T on transcript NM_053025.4 (MANE Select); coding-DNA position 1760, A replaced by T.
Protein change: p.Asn587Ile; replaces asparagine 587 with isoleucine.
Molecular consequence: missense variant.
Genome position (GRCh38, 1-based): chr3:123,722,172, T>A on the plus strand (A>T on the coding strand, the complement: MYLK is on the minus strand). VCF-style: chr3-123722172-T-A. GRCh37 (hg19) VCF-style: chr3-123441019-T-A.
Other names: c.1232A>T, p.Asn411Ile (NM_001321309.2); c.1553A>T, p.Asn518Ile (NM_053026.4, NM_053028.4); c.1760A>T, p.Asn587Ile (NM_053027.4); short protein forms N411I, N518I, N587I.
Identifiers: ClinVar variation 4075671 (VCV004075671.1).

ClinVar aggregate classification (germline): Uncertain significance (1 of 4 stars; one submission).

gnomAD v4.1: 2 of 1,564,696 alleles (0.00013%); highest among the groups gnomAD compares: Non-Finnish European, 0.00017%; no homozygotes.

Submission:

GeneDx
Classification: Uncertain significance. Last evaluated: 2025-02-13. Review status: criteria provided, single submitter. Criteria: GeneDx Variant Classification Process June 2021. Collection method: clinical testing. Allele origin: germline. Affected: yes.
Comment: Not observed at significant frequency in large population cohorts (gnomAD); In silico analysis supports that this missense variant has a deleterious effect on protein structure/function; Has not been previously published as pathogenic or benign to our knowledge